The following is an entry in ClinVar:

ClinVar aggregate classification (germline): Conflicting classifications of pathogenicity. Review status: criteria provided, conflicting classifications (1 of 4 stars). 3 submissions from 3 submitters: Uncertain significance (2); Likely benign (1). Last evaluated 2024-08-13.

Conditions:
Familial cold autoinflammatory syndrome 2 (FCAS2). Identifiers: Orphanet 247868, MedGen C2673198, MONDO:0012724, OMIM 611762.

Allele frequency attached by ClinVar (database versions not stated): gnomAD 0.00001; TOPMed 0.00001; ExAC 0.00003; gnomAD exomes 0.00003.
gnomAD v4.1: 19 of 1,613,886 alleles (0.0012%); highest among the groups gnomAD compares: Admixed American, 0.0033%; no homozygotes.

Submissions (3):

Labcorp Genetics (formerly Invitae), Labcorp
Classification: Uncertain significance for Familial cold autoinflammatory syndrome 2. Last evaluated: 2024-08-13. Review status: criteria provided, single submitter. Criteria: Invitae Variant Classification Sherloc (09022015). Collection method: clinical testing. Allele origin: germline.
Comment: This sequence change replaces arginine, which is basic and polar, with glutamine, which is neutral and polar, at codon 1030 of the NLRP12 protein (p.Arg1030Gln). This variant is present in population databases (rs751680149, gnomAD 0.01%). This variant has not been reported in the literature in individuals affected with NLRP12-related conditions. ClinVar contains an entry for this variant (Variation ID: 1009704). An algorithm developed to predict the effect of missense changes on protein structure and function outputs the following: PolyPhen-2: "Not Available". The glutamine amino acid residue is found in multiple mammalian species, which suggests that this missense change does not adversely affect protein function. In summary, the available evidence is currently insufficient to determine the role of this variant in disease. Therefore, it has been classified as a Variant of Uncertain Significance.

CeGaT Center for Human Genetics Tuebingen
Classification: Likely benign. Last evaluated: 2024-07-01. Review status: criteria provided, single submitter. Criteria: CeGaT Center For Human Genetics Tuebingen Variant Classification Criteria Version 2. Collection method: clinical testing. Allele origin: germline. Affected: yes. Observed: 1 variant allele.
Comment: NLRP12: BP4

Blueprint Genetics
Classification: Uncertain significance. Last evaluated: 2024-03-11. Review status: criteria provided, single submitter. Criteria: ACMG Guidelines, 2015. Collection method: clinical testing. Allele origin: germline.

NM_144687.4(NLRP12):c.3089G>A (p.Arg1030Gln)

Gene: NLRP12 (NLR family pyrin domain containing 12; minus strand). Cytogenetic location: 19q13.42.
Variant type: single nucleotide variant.
Coding change: c.3089G>A on transcript NM_144687.4 (MANE Select); coding-DNA position 3089, G replaced by A.
Protein change: p.Arg1030Gln; replaces arginine 1030 with glutamine.
Molecular consequence: missense variant.
Genome position (GRCh38, 1-based): chr19:53,795,868, C>T on the plus strand (G>A on the coding strand, the complement: NLRP12 is on the minus strand). VCF-style: chr19-53795868-C-T. GRCh37 (hg19) VCF-style: chr19-54299122-C-T.
Other names: c.3092G>A, p.Arg1031Gln (NM_001277126.2); c.2918G>A, p.Arg973Gln (NM_001277129.1); short protein forms R1030Q, R1031Q, R973Q.
Identifiers: ClinVar variation 1009704 (VCV001009704.24), dbSNP rs751680149, ClinGen allele CA9638780.